The following is an entry in ClinVar:

ClinVar aggregate classification (germline): Uncertain significance (1 of 4 stars; one submission).

Submission:

Women's Health and Genetics/Laboratory Corporation of America, LabCorp
Classification: Uncertain significance. Last evaluated: 2026-04-29. Review status: criteria provided, single submitter. Criteria: LabCorp Variant Classification Summary - May 2015. Collection method: clinical testing. Allele origin: germline.
Comment: Variant summary: CNKSR2 c.3007_3008dupAA (p.Asn1003LysfsX9) results in a premature termination codon in the last exon, predicted to cause a truncation of the encoded protein , however, nonsense mediated decay is not expected to occur. The variant was absent in 183431 control chromosomes. The available data on variant occurrences in the general population are insufficient to allow any conclusion about variant significance. To our knowledge, no occurrence of c.3007_3008dupAA in individuals affected with CNKSR2-related conditions and no experimental evidence demonstrating its impact on protein function have been reported. No downstream variant has been classified as Pathogenic/Likely Pathogenic by our lab or by other labs in Clinvar, providing evidence that the region may not be critical to protein function. No submitters have cited clinical-significance assessments for this variant to ClinVar. Based on the evidence outlined above, the variant was classified as uncertain significance.

NM_014927.5(CNKSR2):c.3007_3008dup (p.Asn1003fs)

Gene: CNKSR2 (connector enhancer of kinase suppressor of Ras 2; plus strand). Cytogenetic location: Xp22.12.
Variant type: Duplication.
Coding change: c.3007_3008dup on transcript NM_014927.5 (MANE Select); coding-DNA positions 3007 to 3008, 2 bases duplicated (AA; older notation c.3007_3008dupAA).
Protein change: p.Asn1003fs; shifts the reading frame from asparagine 1003.
Molecular consequence: frameshift variant.
Genome position (GRCh38, 1-based): chrX:21,652,423-21,652,424, AA duplicated; duplicating any 2 consecutive bases within chrX:21,652,421-21,652,424 gives the same sequence; the c. name uses the placement nearest the transcript's 3' end. VCF-style (leftmost placement, unchanged base first): chrX-21652420-C-CAA. GRCh37 (hg19) VCF-style: chrX-21670538-C-CAA.
Other names: c.2917_2918dup, p.Asn973fs (NM_001168647.3); c.2860_2861dup, p.Asn954fs (NM_001330770.2); c.2770_2771dup, p.Asn924fs (NM_001330772.2); c.3007_3008dupAA (NM_014927.5); short protein forms N1003fs, N924fs, N954fs, N973fs.
Identifiers: ClinVar variation 4848421 (VCV004848421.1).